The following is an entry in ClinVar:

NM_000038.6(APC):c.5041T>A (p.Ser1681Thr)

Gene: APC (APC regulator of Wnt signaling pathway; plus strand). Cytogenetic location: 5q22.2.
Variant type: single nucleotide variant.
Coding change: c.5041T>A on transcript NM_000038.6 (MANE Select); coding-DNA position 5041, T replaced by A.
Protein change: p.Ser1681Thr; replaces serine 1681 with threonine.
Molecular consequence: missense variant.
Genome position (GRCh38, 1-based): chr5:112,840,635, T>A. VCF-style: chr5-112840635-T-A. GRCh37 (hg19) VCF-style: chr5-112176332-T-A.
Other names: c.5041T>A, p.Ser1681Thr (NM_001127510.3, NM_001354895.2); c.4987T>A, p.Ser1663Thr (NM_001127511.3); c.5095T>A, p.Ser1699Thr (NM_001354896.2); c.5071T>A, p.Ser1691Thr (NM_001354897.2); c.4966T>A, p.Ser1656Thr (NM_001354898.2); c.4957T>A, p.Ser1653Thr (NM_001354899.2); c.4918T>A, p.Ser1640Thr (NM_001354900.2); c.4864T>A, p.Ser1622Thr (NM_001354901.2); and 5 more; short protein forms S1398T, S1622T, S1653T, S1521T, S1555T, S1580T, S1590T, S1656T.
Identifiers: ClinVar variation 1445594 (VCV001445594.8), dbSNP rs2149930518, ClinGen allele CA16032355.

ClinVar aggregate classification (germline): Uncertain significance (1 of 4 stars; one submission).

Conditions:
Familial adenomatous polyposis 1 (FAP1). Also called: FAMILIAL ADENOMATOUS POLYPOSIS 1, ATTENUATED; POLYPOSIS, ADENOMATOUS INTESTINAL. Identifiers: MedGen C2713442, MONDO:0021056, OMIM 175100. Disease mechanism: loss of function.

Submission:

Labcorp Genetics (formerly Invitae), Labcorp
Classification: Uncertain significance for Familial adenomatous polyposis 1. Last evaluated: 2021-01-22. Review status: criteria provided, single submitter. Criteria: Invitae Variant Classification Sherloc (09022015). Collection method: clinical testing. Allele origin: germline.
Comment: This sequence change replaces serine with threonine at codon 1681 of the APC protein (p.Ser1681Thr). The serine residue is highly conserved and there is a small physicochemical difference between serine and threonine. This variant is not present in population databases (ExAC no frequency). This variant has not been reported in the literature in individuals with APC-related conditions. Algorithms developed to predict the effect of missense changes on protein structure and function output the following: SIFT: "Tolerated"; PolyPhen-2: "Benign"; Align-GVGD: "Class C0". The threonine amino acid residue is found in multiple mammalian species, suggesting that this missense change does not adversely affect protein function. These predictions have not been confirmed by published functional studies and their clinical significance is uncertain. In summary, the available evidence is currently insufficient to determine the role of this variant in disease. Therefore, it has been classified as a Variant of Uncertain Significance.